The following is an entry in ClinVar:

ClinVar aggregate classification (germline): Uncertain significance (1 of 4 stars; one submission).

Submission:

Labcorp Genetics (formerly Invitae), Labcorp
Classification: Uncertain significance. Last evaluated: 2026-01-07. Review status: criteria provided, single submitter. Criteria: Invitae Variant Classification Sherloc (09022015). Collection method: clinical testing. Allele origin: germline.
Comment: This sequence change replaces threonine, which is neutral and polar, with isoleucine, which is neutral and non-polar, at codon 243 of the RAI1 protein (p.Thr243Ile). This variant is not present in population databases (gnomAD no frequency). This variant has not been reported in the literature in individuals affected with RAI1-related conditions. Invitae Evidence Modeling of protein sequence and biophysical properties (such as structural, functional, and spatial information, amino acid conservation, physicochemical variation, residue mobility, and thermodynamic stability) indicates that this missense variant is not expected to disrupt RAI1 protein function with a negative predictive value of 80%. In summary, the available evidence is currently insufficient to determine the role of this variant in disease. Therefore, it has been classified as a Variant of Uncertain Significance.

NM_030665.4(RAI1):c.728C>T (p.Thr243Ile)

Gene: RAI1 (retinoic acid induced 1; plus strand). Cytogenetic location: 17p11.2.
Variant type: single nucleotide variant.
Coding change: c.728C>T on transcript NM_030665.4 (MANE Select); coding-DNA position 728, C replaced by T.
Protein change: p.Thr243Ile; replaces threonine 243 with isoleucine.
Molecular consequence: missense variant.
Genome position (GRCh38, 1-based): chr17:17,793,676, C>T. VCF-style: chr17-17793676-C-T. GRCh37 (hg19) VCF-style: chr17-17696990-C-T.
Other names: short protein forms T243I.
Identifiers: ClinVar variation 4744805 (VCV004744805.1).